The following is an entry in ClinVar:

NM_014974.3(DIP2C):c.917G>A (p.Arg306His)

Gene: DIP2C (DIP2 acetate--CoA ligase C (putative); minus strand). Cytogenetic location: 10p15.3.
Variant type: single nucleotide variant.
Coding change: c.917G>A on transcript NM_014974.3 (MANE Select); coding-DNA position 917, G replaced by A.
Protein change: p.Arg306His; replaces arginine 306 with histidine.
Molecular consequence: missense variant.
Genome position (GRCh38, 1-based): chr10:414,053, C>T on the plus strand (G>A on the coding strand, the complement: DIP2C is on the minus strand). VCF-style: chr10-414053-C-T. GRCh37 (hg19) VCF-style: chr10-459993-C-T.
Other names: short protein forms R306H.
Identifiers: ClinVar variation 2405616 (VCV002405616.6), dbSNP rs767318451, ClinGen allele CA5381144.

ClinVar aggregate classification (germline): Uncertain significance. Review status: criteria provided, multiple submitters, no conflicts (2 of 4 stars). 2 submissions from 2 submitters: Uncertain significance (2). Last evaluated 2025-08-27.

Conditions:
Inborn genetic diseases. Identifiers: MedGen C0950123, MeSH D030342.

Allele frequency attached by ClinVar (database versions not stated): ExAC 0.00001; gnomAD 0.00001; TOPMed 0.00001; gnomAD exomes 0.00002.

Submissions (2):

Ambry Genetics
Classification: Uncertain significance for Inborn genetic diseases. Last evaluated: 2025-08-27. Review status: criteria provided, single submitter. Criteria: Ambry Variant Classification Scheme 2023. Collection method: clinical testing. Allele origin: germline.

Labcorp Genetics (formerly Invitae), Labcorp
Classification: Uncertain significance. Last evaluated: 2023-11-19. Review status: criteria provided, single submitter. Criteria: Invitae Variant Classification Sherloc (09022015). Collection method: clinical testing. Allele origin: germline.
Comment: This sequence change replaces arginine, which is basic and polar, with histidine, which is basic and polar, at codon 306 of the DIP2C protein (p.Arg306His). This variant is present in population databases (rs767318451, gnomAD 0.005%). This variant has not been reported in the literature in individuals affected with DIP2C-related conditions. ClinVar contains an entry for this variant (Variation ID: 2405616). An algorithm developed to predict the effect of missense changes on protein structure and function (PolyPhen-2) suggests that this variant is likely to be disruptive. In summary, the available evidence is currently insufficient to determine the role of this variant in disease. Therefore, it has been classified as a Variant of Uncertain Significance.